The following is an entry in ClinVar:

NM_022089.4(ATP13A2):c.190C>T (p.Leu64Phe)

Gene: ATP13A2 (ATPase cation transporting 13A2; minus strand). Cytogenetic location: 1p36.13.
Variant type: single nucleotide variant.
Coding change: c.190C>T on transcript NM_022089.4 (MANE Select); coding-DNA position 190, C replaced by T.
Protein change: p.Leu64Phe; replaces leucine 64 with phenylalanine.
Molecular consequence: missense variant.
Genome position (GRCh38, 1-based): chr1:17,005,472, G>A on the plus strand (C>T on the coding strand, the complement: ATP13A2 is on the minus strand). VCF-style: chr1-17005472-G-A. GRCh37 (hg19) VCF-style: chr1-17331967-G-A.
Other names: c.190C>T, p.Leu64Phe (NM_001141973.3, NM_001141974.3); short protein forms L64F.
Identifiers: ClinVar variation 1959399 (VCV001959399.5), dbSNP rs769534201, ClinGen allele CA637738.

ClinVar aggregate classification (germline): Uncertain significance (1 of 4 stars; one submission).

Conditions:
Autosomal recessive spastic paraplegia type 78. Identifiers: Orphanet 513436, MedGen C5567893, MONDO:0014975, OMIM 617225.
Kufor-Rakeb syndrome (KRS). Also called: PARKINSON DISEASE 9, AUTOSOMAL RECESSIVE, JUVENILE-ONSET. Identifiers: Orphanet 306674, Orphanet 314632, MedGen C1847640, MONDO:0011706, OMIM 606693.

Allele frequency attached by ClinVar (database versions not stated): gnomAD exomes below 0.00001; ExAC 0.00001.
gnomAD v4.1: 2 of 1,614,248 alleles (0.00012%); highest among the groups gnomAD compares: South Asian, 0.0011%; no homozygotes.

Submission:

Labcorp Genetics (formerly Invitae), Labcorp
Classification: Uncertain significance for Kufor-Rakeb syndrome; Autosomal recessive spastic paraplegia type 78. Last evaluated: 2022-06-02. Review status: criteria provided, single submitter. Criteria: Invitae Variant Classification Sherloc (09022015). Collection method: clinical testing. Allele origin: germline.
Comment: This sequence change replaces leucine, which is neutral and non-polar, with phenylalanine, which is neutral and non-polar, at codon 64 of the ATP13A2 protein (p.Leu64Phe). This variant is present in population databases (rs769534201, gnomAD 0.003%). This variant has not been reported in the literature in individuals affected with ATP13A2-related conditions. Advanced modeling of protein sequence and biophysical properties (such as structural, functional, and spatial information, amino acid conservation, physicochemical variation, residue mobility, and thermodynamic stability) performed at Invitae indicates that this missense variant is not expected to disrupt ATP13A2 protein function. In summary, the available evidence is currently insufficient to determine the role of this variant in disease. Therefore, it has been classified as a Variant of Uncertain Significance.